The following is an entry in ClinVar:

NM_144670.6(A2ML1):c.2132A>T (p.His711Leu)

Gene: A2ML1 (alpha-2-macroglobulin like 1; plus strand). Cytogenetic location: 12p13.31.
Variant type: single nucleotide variant.
Coding change: c.2132A>T on transcript NM_144670.6 (MANE Select); coding-DNA position 2132, A replaced by T.
Protein change: p.His711Leu; replaces histidine 711 with leucine.
Molecular consequence: missense variant.
Genome position (GRCh38, 1-based): chr12:8,850,172, A>T. VCF-style: chr12-8850172-A-T. GRCh37 (hg19) VCF-style: chr12-9002768-A-T.
Other names: c.659A>T, p.His220Leu (NM_001282424.3); short protein forms H220L, H711L.
Identifiers: ClinVar variation 5029634 (VCV005029634.1).
Genomic context (GRCh38, chr12:8,850,172, plus strand): 5'-CAAGAAGTCTCCTGTTTCCTAAAGTTTTCGTATTCTCAATTTCATCAGCAGGCGGTGGTC[A>T]TCCAGAGGCTTTTGAGTCATCAACTCCTTTACATCAAGCAGAGGATTCTCAGGTCCGCCA-3'
Protein context (NP_653271.3, residues 701-721): YSTAMGAGGG[His711Leu]PEAFESSTPL

ClinVar aggregate classification (germline): Uncertain significance (1 of 4 stars; one submission).

Submission:

Ambry Genetics
Classification: Uncertain significance. Last evaluated: 2026-08-24. Review status: criteria provided, single submitter. Criteria: Ambry Variant Classification Scheme 2023. Collection method: clinical testing. Allele origin: germline.
Comment: The p.H711L variant (also known as c.2132A>T), located in coding exon 18 of the A2ML1 gene, results from an A to T substitution at nucleotide position 2132. The histidine at codon 711 is replaced by leucine, an amino acid with similar properties. This amino acid position is conserved. In addition, this alteration is predicted to be tolerated by in silico analysis. Based on the available evidence, the clinical significance of this variant remains unclear.